The following is an entry in ClinVar:

ClinVar aggregate classification (germline): Pathogenic (1 of 4 stars; one submission).

Conditions:
Cardiovascular phenotype. Identifiers: MedGen CN230736.
Hereditary cancer-predisposing syndrome. Also called: Neoplastic Syndromes, Hereditary; Tumor predisposition; Hereditary Cancer Syndrome; Hereditary neoplastic syndrome. Identifiers: Orphanet 140162, MedGen C0027672, MeSH D009386, MONDO:0015356.

Submission:

Ambry Genetics
Classification: Pathogenic for Cardiovascular phenotype; Hereditary cancer-predisposing syndrome. Last evaluated: 2026-06-05. Review status: criteria provided, single submitter. Criteria: Ambry Variant Classification Scheme 2023. Collection method: clinical testing. Allele origin: germline.
Comment: The c.698_704delAACTGTA pathogenic mutation, located in coding exon 7 of the NF1 gene, results from a deletion of 7 nucleotides at nucleotide positions 698 to 704, causing a translational frameshift with a predicted alternate stop codon (p.K233Tfs*46). This variant is considered to be rare based on population cohorts in the Genome Aggregation Database (gnomAD). This variant was reported in individual(s) with features consistent with Neurofibromatosis type I (Ambry internal data). This alteration is expected to result in loss of function by premature protein truncation or nonsense-mediated mRNA decay. As such, this alteration is interpreted as a disease-causing mutation.

NM_001042492.3(NF1):c.698_704del (p.Lys233fs)

Gene: NF1 (neurofibromin 1; plus strand). Cytogenetic location: 17q11.2.
Variant type: Deletion.
Coding change: c.698_704del on transcript NM_001042492.3 (MANE Select); coding-DNA positions 698 to 704, 7 bases deleted (AACTGTA; older notation c.698_704delAACTGTA).
Protein change: p.Lys233fs; shifts the reading frame from lysine 233.
Molecular consequence: frameshift variant.
Genome position (GRCh38, 1-based): chr17:31,181,753-31,181,759, AACTGTA deleted; deleting any 7 consecutive bases within chr17:31,181,752-31,181,759 gives the same sequence; the c. name uses the placement nearest the transcript's 3' end. VCF-style (leftmost placement, unchanged base first): chr17-31181751-AAAACTGT-A. GRCh37 (hg19) VCF-style: chr17-29508769-AAAACTGT-A.
Other names: c.698_704del, p.Lys233fs (NM_000267.4, NM_001128147.3); short protein forms K233fs.
Identifiers: ClinVar variation 4860971 (VCV004860971.1).